The following is an entry in ClinVar:

NM_001079872.2(CUL4B):c.2010G>A (p.Pro670=)

Gene: CUL4B (cullin 4B; minus strand). Cytogenetic location: Xq24.
Variant type: single nucleotide variant.
Coding change: c.2010G>A on transcript NM_001079872.2 (MANE Select); coding-DNA position 2010, G replaced by A.
Protein change: p.Pro670=; no amino-acid change (proline 670 retained).
Molecular consequence: synonymous variant.
Genome position (GRCh38, 1-based): chrX:120,536,963, C>T on the plus strand (G>A on the coding strand, the complement: CUL4B is on the minus strand). VCF-style: chrX-120536963-C-T. GRCh37 (hg19) VCF-style: chrX-119670818-C-T.
Other names: c.2064G>A, p.Pro688= (NM_003588.4); c.2025G>A, p.Pro675= (NM_001330624.2); c.1476G>A, p.Pro492= (NM_001369145.1).
Identifiers: ClinVar variation 3031646 (VCV003031646.2), dbSNP rs774746965, ClinGen allele CA10505463.

ClinVar aggregate classification (germline): Likely benign (0 of 4 stars; one submission).

Conditions:
CUL4B-related disorder. Also called: CUL4B-related condition.

Allele frequency attached by ClinVar (database versions not stated): gnomAD exomes 0.00001; TOPMed 0.00001; ExAC 0.00002.
gnomAD v4.1: 9 of 1,207,001 alleles (0.00075%); highest among the groups gnomAD compares: Non-Finnish European, 0.0009%; no homozygotes.

Submission:

PreventionGenetics, part of Exact Sciences
Classification: Likely benign for CUL4B-related condition. Last evaluated: 2021-12-30. Review status: no assertion criteria provided. Collection method: clinical testing. Allele origin: germline.
Comment: This variant is classified as likely benign based on ACMG/AMP sequence variant interpretation guidelines (Richards et al. 2015 PMID: 25741868, with internal and published modifications).